The following is an entry in ClinVar:

ClinVar aggregate classification (germline): Uncertain significance (1 of 4 stars; one submission).

Allele frequency attached by ClinVar (database versions not stated): gnomAD exomes below 0.00001; TOPMed below 0.00001; gnomAD 0.00003.

Submission:

GeneDx
Classification: Uncertain significance. Last evaluated: 2023-04-16. Review status: criteria provided, single submitter. Criteria: GeneDx Variant Classification Process June 2021. Collection method: clinical testing. Allele origin: germline. Affected: yes.
Comment: Not observed at significant frequency in large population cohorts (gnomAD); In-frame duplication of 3 amino acids in a repetitive region with no known function; Has not been previously published as pathogenic or benign to our knowledge

NM_030632.3(ASXL3):c.6123_6131dup (p.Pro2044_Leu2045insProProPro)

Gene: ASXL3 (ASXL transcriptional regulator 3; plus strand). Cytogenetic location: 18q12.1.
Variant type: Duplication.
Coding change: c.6123_6131dup on transcript NM_030632.3 (MANE Select); coding-DNA positions 6123 to 6131, 9 bases duplicated (ACCTCCACC; older notation c.6123_6131dupACCTCCACC).
Protein change: p.Pro2044_Leu2045insProProPro.
Molecular consequence: inframe insertion.
Genome position (GRCh38, 1-based): chr18:33,745,971-33,745,979, ACCTCCACC duplicated. VCF-style (leftmost placement, unchanged base first): chr18-33745970-T-TACCTCCACC. GRCh37 (hg19) VCF-style: chr18-31325934-T-TACCTCCACC.
Identifiers: ClinVar variation 2662086 (VCV002662086.1), dbSNP rs2067781358, ClinGen allele CA2294858823.